The following is an entry in ClinVar:

ClinVar aggregate classification (germline): Uncertain significance. Review status: criteria provided, multiple submitters, no conflicts (2 of 4 stars). 4 submissions from 4 submitters: Uncertain significance (4). Last evaluated 2026-04-14.

Conditions:
Hereditary cancer-predisposing syndrome. Also called: Hereditary Cancer Syndrome; Tumor predisposition; Hereditary neoplastic syndrome; Neoplastic Syndromes, Hereditary. Identifiers: Orphanet 140162, MedGen C0027672, MeSH D009386, MONDO:0015356.
Familial cancer of breast. Also called: Hereditary breast cancer; BREAST CANCER, FAMILIAL; hereditary breast carcinoma. Identifiers: Orphanet 227535, MedGen C0346153, MONDO:0016419, OMIM 114480. Disease mechanism: loss of function.

Allele frequency attached by ClinVar (database versions not stated): gnomAD exomes below 0.00001.
gnomAD v4.1: 5 of 1,612,156 alleles (0.00031%); highest among the groups gnomAD compares: East Asian, 0.0045%; no homozygotes.

Submissions (4):

Ambry Genetics
Classification: Uncertain significance for Hereditary cancer-predisposing syndrome. Last evaluated: 2026-04-14. Review status: criteria provided, single submitter. Criteria: Ambry Variant Classification Scheme 2023. Collection method: clinical testing. Allele origin: germline.

Labcorp Genetics (formerly Invitae), Labcorp
Classification: Uncertain significance for Familial cancer of breast. Last evaluated: 2025-12-26. Review status: criteria provided, single submitter. Criteria: Invitae Variant Classification Sherloc (09022015). Collection method: clinical testing. Allele origin: germline.
Comment: This sequence change replaces aspartic acid, which is acidic and polar, with asparagine, which is neutral and polar, at codon 440 of the BARD1 protein (p.Asp440Asn). This variant is present in population databases (no rsID available, gnomAD 0.01%). This missense change has been observed in individual(s) with a personal and/or family history of breast and/or ovarian cancer (PMID: 35595798). ClinVar contains an entry for this variant (Variation ID: 460700). An algorithm developed to predict the effect of missense changes on protein structure and function (PolyPhen-2) suggests that this variant is likely to be disruptive. In summary, the available evidence is currently insufficient to determine the role of this variant in disease. Therefore, it has been classified as a Variant of Uncertain Significance.

Department of Pathology and Laboratory Medicine, Sinai Health System
Classification: Uncertain significance for Familial cancer of breast. Last evaluated: 2022-11-16. Review status: criteria provided, single submitter. Criteria: ACMG Guidelines, 2015. Collection method: clinical testing. Allele origin: germline. Affected: yes.

Color Diagnostics, LLC DBA Color Health
Classification: Uncertain significance for Hereditary cancer-predisposing syndrome. Last evaluated: 2021-01-25. Review status: criteria provided, single submitter. Criteria: ACMG Guidelines, 2015. Collection method: clinical testing. Allele origin: germline.
Comment: This missense variant replaces aspartic acid with asparagine at codon 440 of the BARD1 protein. Computational prediction suggests that this variant may not impact protein structure and function (internally defined REVEL score threshold <= 0.5, PMID: 27666373). To our knowledge, functional studies have not been reported for this variant. This variant has not been reported in individuals affected with hereditary cancer in the literature. This variant has been identified in 1/251058 chromosomes in the general population by the Genome Aggregation Database (gnomAD). The available evidence is insufficient to determine the role of this variant in disease conclusively. Therefore, this variant is classified as a Variant of Uncertain Significance.

Literature cited by the submitters: PubMed 35595798 (cited by Labcorp Genetics (formerly Invitae), Labcorp).

NM_000465.4(BARD1):c.1318G>A (p.Asp440Asn)

Gene: BARD1 (BRCA1 associated RING domain 1; minus strand). Cytogenetic location: 2q35.
Variant type: single nucleotide variant.
Coding change: c.1318G>A on transcript NM_000465.4 (MANE Select); coding-DNA position 1318, G replaced by A.
Protein change: p.Asp440Asn; replaces aspartic acid 440 with asparagine.
Molecular consequence: missense variant. On other transcripts: non-coding transcript variant (3), intron variant (3).
Genome position (GRCh38, 1-based): chr2:214,769,309, C>T on the plus strand (G>A on the coding strand, the complement: BARD1 is on the minus strand). VCF-style: chr2-214769309-C-T. GRCh37 (hg19) VCF-style: chr2-215634033-C-T.
Other names: c.1261G>A, p.Asp421Asn (NM_001282543.2); c.159-16754G>A (NM_001282548.2); c.216-16754G>A (NM_001282545.2); c.364+22988G>A (NM_001282549.2); short protein forms D440N, D421N.
Identifiers: ClinVar variation 460700 (VCV000460700.21), dbSNP rs876658999, ClinGen allele CA350450569.